The following is an entry in ClinVar:

ClinVar aggregate classification (germline): Uncertain significance (1 of 4 stars; one submission).

Conditions:
Proximal myopathy with extrapyramidal signs. Also called: Myopathy with extrapyramidal signs. Identifiers: Orphanet 401768, MedGen C3810285, MONDO:0014300, OMIM 615673.

gnomAD v4.1: 1 of 1,094,510 alleles (0.000091%); highest among the groups gnomAD compares: South Asian, 0.0019%; no homozygotes.

Submission:

MGZ Medical Genetics Center
Classification: Uncertain significance for Proximal myopathy with extrapyramidal signs. Last evaluated: 2022-03-22. Review status: criteria provided, single submitter. Criteria: ACMG Guidelines, 2015. Collection method: clinical testing. Allele origin: germline. Affected: yes. Observed: 1 variant allele.
Comment: ACMG criteria applied: PM2_SUP, PP3

NM_001195518.2(MICU1):c.538-20G>A

Gene: MICU1 (mitochondrial calcium uptake 1; minus strand). Cytogenetic location: 10q22.1.
Variant type: single nucleotide variant.
Coding change: c.538-20G>A on transcript NM_001195518.2 (MANE Select); 20 bases into the intron before coding-DNA position 538, G replaced by A.
Molecular consequence: intron variant.
Genome position (GRCh38, 1-based): chr10:72,508,289, C>T on the plus strand (G>A on the coding strand, the complement: MICU1 is on the minus strand). VCF-style: chr10-72508289-C-T. GRCh37 (hg19) VCF-style: chr10-74268047-C-T.
Other names: c.544-20G>A (NM_006077.4); c.556-20G>A (NM_001363513.2); c.58+15513G>A (NM_001195519.2).
Identifiers: ClinVar variation 1709115 (VCV001709115.2), dbSNP rs1399640843, ClinGen allele CA594508039.
Genomic context (GRCh38, chr10:72,508,289, plus strand): 5'-CTGCCTTCATCAGCAAATTTTTCTCGTTCCTGGGAAATTTTCTATAGAATGTATGGGTCC[C>T]ACCAAAAGACAAAAATATATAAGTGAATTAGAATATAAATAGTAAGAGATGAATCACCAT-3'